The following is an entry in ClinVar:

ClinVar aggregate classification (germline): Uncertain significance. Review status: criteria provided, multiple submitters, no conflicts (2 of 4 stars). 3 submissions from 3 submitters: Uncertain significance (3). Last evaluated 2022-05-10.

Allele frequency attached by ClinVar (database versions not stated): TOPMed 0.00004; ExAC 0.00007.

Submissions (3):

Labcorp Genetics (formerly Invitae), Labcorp
Classification: Uncertain significance. Last evaluated: 2022-05-10. Review status: criteria provided, single submitter. Criteria: Invitae Variant Classification Sherloc (09022015). Collection method: clinical testing. Allele origin: germline.
Comment: This sequence change replaces serine, which is neutral and polar, with proline, which is neutral and non-polar, at codon 2352 of the CPLANE1 protein (p.Ser2352Pro). This variant is present in population databases (rs774239772, gnomAD 0.01%). This variant has not been reported in the literature in individuals affected with CPLANE1-related conditions. ClinVar contains an entry for this variant (Variation ID: 452695). Advanced modeling of protein sequence and biophysical properties (such as structural, functional, and spatial information, amino acid conservation, physicochemical variation, residue mobility, and thermodynamic stability) performed at Invitae indicates that this missense variant is not expected to disrupt CPLANE1 protein function. In summary, the available evidence is currently insufficient to determine the role of this variant in disease. Therefore, it has been classified as a Variant of Uncertain Significance.

Blueprint Genetics
Classification: Uncertain significance. Last evaluated: 2021-09-23. Review status: criteria provided, single submitter. Criteria: ACMG Guidelines, 2015. Collection method: clinical testing. Allele origin: germline.

GeneDx
Classification: Uncertain significance. Last evaluated: 2017-10-13. Review status: criteria provided, single submitter. Criteria: GeneDx Variant Classification (06012015). Collection method: clinical testing. Allele origin: germline. Affected: yes.
Comment: The S2352P variant has not been published as a pathogenic variant, nor has it been reported as a benign variant to our knowledge. The S2352P variant is observed in 2/15,304 (0.01%) alleles from individuals of African background (Lek et al., 2016). The S2352P variant is a non-conservative amino acid substitution, which is likely to impact secondary protein structure as these residues differ in polarity, charge, size and/or other properties. However, this substitution occurs at a position that is not conserved, and Proline is observed at this position in evolution. In silico analysis predicts this variant likely does not alter the protein structure/function. Therefore, based on the currently available information, it is unclear whether this variant is a pathogenic variant or a rare benign variant.

NM_001384732.1(CPLANE1):c.7054T>C (p.Ser2352Pro)

Gene: CPLANE1 (ciliogenesis and planar polarity effector complex subunit 1; minus strand). Cytogenetic location: 5p13.2.
Variant type: single nucleotide variant.
Coding change: c.7054T>C on transcript NM_001384732.1 (MANE Select); coding-DNA position 7054, T replaced by C.
Protein change: p.Ser2352Pro; replaces serine 2352 with proline.
Molecular consequence: missense variant.
Genome position (GRCh38, 1-based): chr5:37,168,970, A>G on the plus strand (T>C on the coding strand, the complement: CPLANE1 is on the minus strand). VCF-style: chr5-37168970-A-G. GRCh37 (hg19) VCF-style: chr5-37169072-A-G.
Other names: c.7054T>C, p.Ser2352Pro (NM_023073.4); short protein forms S2352P.
Identifiers: ClinVar variation 452695 (VCV000452695.6), dbSNP rs774239772, ClinGen allele CA3238146.